The following is an entry in ClinVar:

NM_001350162.2(TEX15):c.2515C>T (p.Leu839=)

Gene: TEX15 (testis expressed 15, meiosis and synapsis associated; minus strand). Cytogenetic location: 8p12.
Variant type: single nucleotide variant.
Coding change: c.2515C>T on transcript NM_001350162.2 (MANE Select); coding-DNA position 2515, C replaced by T.
Protein change: p.Leu839=; no amino-acid change (leucine 839 retained).
Molecular consequence: synonymous variant.
Genome position (GRCh38, 1-based): chr8:30,847,652, G>A on the plus strand (C>T on the coding strand, the complement: TEX15 is on the minus strand). VCF-style: chr8-30847652-G-A. GRCh37 (hg19) VCF-style: chr8-30705168-G-A.
Other names: c.1366C>T, p.Leu456= (NM_031271.3).
Identifiers: ClinVar variation 3050625 (VCV003050625.2), dbSNP rs147204143, ClinGen allele CA4703430.

ClinVar aggregate classification (germline): Benign (0 of 4 stars; one submission).

Conditions:
TEX15-related disorder. Also called: TEX15-related condition.

Allele frequency attached by ClinVar (database versions not stated): 1000 Genomes Project 0.00040; 1000 Genomes Project 30x 0.00047; ESP Exome Variant Server 0.00062; ExAC 0.00066; gnomAD 0.00075; TOPMed 0.00093.
gnomAD v4.1: 926 of 1,613,766 alleles (0.057%); highest among the groups gnomAD compares: Admixed American, 0.15%; 3 homozygotes.

Submission:

PreventionGenetics, part of Exact Sciences
Classification: Benign for TEX15-related condition. Last evaluated: 2019-07-16. Review status: no assertion criteria provided. Collection method: clinical testing. Allele origin: germline.
Comment: This variant is classified as benign based on ACMG/AMP sequence variant interpretation guidelines (Richards et al. 2015 PMID: 25741868, with internal and published modifications).